The following is an entry in ClinVar:

NM_019098.5(CNGB3):c.1826T>G (p.Val609Gly)

Gene: CNGB3 (cyclic nucleotide gated channel subunit beta 3; minus strand). Cytogenetic location: 8q21.3.
Variant type: single nucleotide variant.
Coding change: c.1826T>G on transcript NM_019098.5 (MANE Select); coding-DNA position 1826, T replaced by G.
Protein change: p.Val609Gly; replaces valine 609 with glycine.
Molecular consequence: missense variant.
Genome position (GRCh38, 1-based): chr8:86,579,208, A>C on the plus strand (T>G on the coding strand, the complement: CNGB3 is on the minus strand). VCF-style: chr8-86579208-A-C. GRCh37 (hg19) VCF-style: chr8-87591436-A-C.
Other names: short protein forms V609G.
Identifiers: ClinVar variation 2088098 (VCV002088098.3), dbSNP rs1378970832, ClinGen allele CA371447964.

ClinVar aggregate classification (germline): Uncertain significance (1 of 4 stars; one submission).

Allele frequency attached by ClinVar (database versions not stated): TOPMed 0.00001.
gnomAD v4.1: 4 of 1,614,226 alleles (0.00025%); highest among the groups gnomAD compares: African/African-American, 0.0053%; no homozygotes.

Submission:

Labcorp Genetics (formerly Invitae), Labcorp
Classification: Uncertain significance. Last evaluated: 2022-09-27. Review status: criteria provided, single submitter. Criteria: Invitae Variant Classification Sherloc (09022015). Collection method: clinical testing. Allele origin: germline.
Comment: This sequence change replaces valine, which is neutral and non-polar, with glycine, which is neutral and non-polar, at codon 609 of the CNGB3 protein (p.Val609Gly). This variant is present in population databases (no rsID available, gnomAD 0.007%). This variant has not been reported in the literature in individuals affected with CNGB3-related conditions. Advanced modeling of protein sequence and biophysical properties (such as structural, functional, and spatial information, amino acid conservation, physicochemical variation, residue mobility, and thermodynamic stability) performed at Invitae indicates that this missense variant is expected to disrupt CNGB3 protein function. In summary, the available evidence is currently insufficient to determine the role of this variant in disease. Therefore, it has been classified as a Variant of Uncertain Significance.